The following is an entry in ClinVar:

ClinVar aggregate classification (germline): Uncertain significance. Review status: criteria provided, multiple submitters, no conflicts (2 of 4 stars). 4 submissions from 4 submitters: Uncertain significance (4). Last evaluated 2025-12-08.

Conditions:
Inborn genetic diseases. Identifiers: MedGen C0950123, MeSH D030342.
Combined oxidative phosphorylation defect type 17. Also called: Combined oxidative phosphorylation deficiency 17. Identifiers: Orphanet 369913, MedGen C3809526, MONDO:0014190, OMIM 615440.

Allele frequency attached by ClinVar (database versions not stated): gnomAD 0.00002; gnomAD exomes 0.00002 and 0.00003; ExAC 0.00004; TOPMed 0.00004; ESP Exome Variant Server 0.00008.
gnomAD v4.1: 38 of 1,614,020 alleles (0.0024%); highest among the groups gnomAD compares: African/African-American, 0.0053%; no homozygotes.

Submissions (4):

Ambry Genetics
Classification: Uncertain significance for Inborn genetic diseases. Last evaluated: 2025-12-08. Review status: criteria provided, single submitter. Criteria: Ambry Variant Classification Scheme 2023. Collection method: clinical testing. Allele origin: germline.

Blueprint Genetics
Classification: Uncertain significance. Last evaluated: 2024-09-30. Review status: criteria provided, single submitter. Criteria: ACMG Guidelines, 2015. Collection method: clinical testing. Allele origin: germline.

Labcorp Genetics (formerly Invitae), Labcorp
Classification: Uncertain significance for Combined oxidative phosphorylation defect type 17. Last evaluated: 2022-05-02. Review status: criteria provided, single submitter. Criteria: Invitae Variant Classification Sherloc (09022015). Collection method: clinical testing. Allele origin: germline.
Comment: This sequence change replaces glycine, which is neutral and non-polar, with arginine, which is basic and polar, at codon 281 of the ELAC2 protein (p.Gly281Arg). This variant is present in population databases (rs147215643, gnomAD 0.008%). This variant has not been reported in the literature in individuals affected with ELAC2-related conditions. Algorithms developed to predict the effect of missense changes on protein structure and function are either unavailable or do not agree on the potential impact of this missense change (SIFT: "Deleterious"; PolyPhen-2: "Probably Damaging"; Align-GVGD: "Class C0"). Algorithms developed to predict the effect of sequence changes on RNA splicing suggest that this variant may create or strengthen a splice site. In summary, the available evidence is currently insufficient to determine the role of this variant in disease. Therefore, it has been classified as a Variant of Uncertain Significance.

Breakthrough Genomics
Classification: Uncertain significance. Review status: criteria provided, single submitter. Criteria: ACMG Guidelines, 2015. Collection method: not provided. Allele origin: germline. Inheritance: Autosomal recessive inheritance. Affected: yes.

NM_018127.7(ELAC2):c.841G>A (p.Gly281Arg)

Gene: ELAC2 (elaC ribonuclease Z 2; minus strand). Cytogenetic location: 17p12.
Variant type: single nucleotide variant.
Coding change: c.841G>A on transcript NM_018127.7 (MANE Select); coding-DNA position 841, G replaced by A.
Protein change: p.Gly281Arg; replaces glycine 281 with arginine.
Molecular consequence: missense variant.
Genome position (GRCh38, 1-based): chr17:13,005,782, C>T on the plus strand (G>A on the coding strand, the complement: ELAC2 is on the minus strand). VCF-style: chr17-13005782-C-T. GRCh37 (hg19) VCF-style: chr17-12909099-C-T.
Other names: c.841G>A (NM_018127.6); c.721G>A, p.Gly241Arg (NM_001165962.2); c.841G>A, p.Gly281Arg (NM_173717.2); short protein forms G241R, G281R.
Identifiers: ClinVar variation 1479999 (VCV001479999.6), dbSNP rs147215643, ClinGen allele CA8401467.